The following is an entry in ClinVar:

NM_201384.3(PLEC):c.9741G>A (p.Lys3247=)

Gene: PLEC (plectin; minus strand). Cytogenetic location: 8q24.3.
Variant type: single nucleotide variant.
Coding change: c.9741G>A on transcript NM_201384.3 (MANE Select); coding-DNA position 9741, G replaced by A.
Protein change: p.Lys3247=; no amino-acid change (lysine 3247 retained).
Molecular consequence: synonymous variant.
Genome position (GRCh38, 1-based): chr8:143,920,080, C>T on the plus strand (G>A on the coding strand, the complement: PLEC is on the minus strand). VCF-style: chr8-143920080-C-T. GRCh37 (hg19) VCF-style: chr8-144994248-C-T.
Other names: c.9822G>A, p.Lys3274= (NM_000445.5); c.6441G>A, p.Lys2147= (NM_001410941.1); c.9699G>A, p.Lys3233= (NM_201378.4); c.9675G>A, p.Lys3225= (NM_201379.3); c.10152G>A, p.Lys3384= (NM_201380.4); c.9645G>A, p.Lys3215= (NM_201381.3); c.9741G>A, p.Lys3247= (NM_201382.4); c.9753G>A, p.Lys3251= (NM_201383.3).
Identifiers: ClinVar variation 4873056 (VCV004873056.2).

ClinVar aggregate classification (germline): Likely benign (1 of 4 stars; one submission).

gnomAD v4.1: 30 of 1,613,154 alleles (0.0019%); highest among the groups gnomAD compares: South Asian, 0.027%; no homozygotes.

Submission:

CeGaT Center for Human Genetics Tuebingen
Classification: Likely benign. Last evaluated: 2026-05-01. Review status: criteria provided, single submitter. Criteria: CeGaT Center For Human Genetics Tuebingen Variant Classification Criteria Version 2. Collection method: clinical testing. Allele origin: germline. Affected: yes. Observed: 1 variant allele.
Comment: PLEC: BP4, BP7